The following is an entry in ClinVar:

ClinVar aggregate classification (germline): Benign. Review status: reviewed by expert panel (3 of 4 stars). 10 submissions from 9 submitters: Benign (1). 9 of the submissions do not count toward it. Last evaluated 2019-07-26.

Conditions:
Hereditary thrombocytopenia and hematological cancer predisposition syndrome associated with RUNX1. Also called: PLATELET DISORDER, ASPIRIN-LIKE; Familial thrombocytopenia with propensity to acute myelogenous leukemia; RUNX1 Familial Platelet Disorder with Associated Myeloid Malignancies; Familial Platelet Disorder with Propensity to Acute Myelogenous Leukemia. Identifiers: Orphanet 71290, MedGen C1832388, MeSH C563324, MONDO:0100083, OMIM 601399.
Acute myeloid leukemia (AML). Also called: Leukemia, acute myeloid, somatic; Leukemia, acute myelogenous, somatic; Acute myeloid leukemia, adult; AML adult; Acute non-lymphocytic leukemia; Acute granulocytic leukemia. Identifiers: Orphanet 519, MedGen C0023467, MeSH D015470, MONDO:0018874, OMIM 601626, HP:0004808. Disease mechanism: Constitutively activated FLT3.

Allele frequency attached by ClinVar (database versions not stated): ESP Exome Variant Server 0.00408; TOPMed 0.00419; gnomAD exomes 0.00477 and 0.00534; ExAC 0.00532; 1000 Genomes Project 30x 0.00219; 1000 Genomes Project 0.00240; gnomAD 0.00386 and 0.00396.
gnomAD v4.1: 8,366 of 1,609,978 alleles (0.52%); highest among the groups gnomAD compares: Middle Eastern, 1.7%; 29 homozygotes.

Submissions (10):

ClinGen Myeloid Malignancy Variant Curation Expert Panel
Classification: Benign for Familial platelet disorder with associated myeloid malignancy. Last evaluated: 2019-07-26. Review status: reviewed by expert panel. Criteria: ClinGen MyeloMalig ACMG Specifications v1. Collection method: curation. Allele origin: germline. Inheritance: Autosomal dominant inheritance.
Comment: The NM_001754.4:c.351+15A>G variant has a MAF of 0.00809 (0.809%, 524/64,760 alleles) in the European (Non-Finnish) subpopulation of the ExAC cohort that is >/= 0.0015 (0.15%) (BA1). This variant is detected in homozygous state (8) in gnomAD population database (BP2). This intronic variant is predicted by SSF and MES to lead to either an increase in the canonical splice site score or a decrease of the canonical splice site score by no more than 10% and no putative cryptic splice sites are created (BP4). In addition, evolutionary conservation prediction algorithms predict the site as not being highly conserved (PhyloP score -1.34728 < 0.1) (BP7). In summary, this variant meets criteria to be classified as benign. ACMG/AMP criteria applied, as specified by the ClinGen Myeloid Malignancy Variant Curation Expert Panel for RUNX1: BA1, BP2, BP4, BP7.

Labcorp Genetics (formerly Invitae), Labcorp
Classification: Benign for Hereditary thrombocytopenia and hematological cancer predisposition syndrome associated with RUNX1. Last evaluated: 2026-02-03. Review status: criteria provided, single submitter. Criteria: Invitae Variant Classification Sherloc (09022015). Collection method: clinical testing. Allele origin: germline. Not counted in ClinVar's aggregate classification.

KCCC/NGS Laboratory, Kuwait Cancer Control Center
Classification: Benign for Hereditary thrombocytopenia and hematological cancer predisposition syndrome associated with RUNX1. Last evaluated: 2025-02-01. Review status: criteria provided, single submitter. Criteria: ACMG Guidelines, 2015. Collection method: clinical testing. Allele origin: germline. Affected: no. Not counted in ClinVar's aggregate classification.

Blueprint Genetics
Classification: Likely benign. Last evaluated: 2024-11-25. Review status: criteria provided, single submitter. Criteria: ACMG Guidelines, 2015. Collection method: clinical testing. Allele origin: germline. Not counted in ClinVar's aggregate classification.

ARUP Laboratories, Molecular Genetics and Genomics, ARUP Laboratories
Classification: Benign. Last evaluated: 2024-02-14. Review status: criteria provided, single submitter. Criteria: ARUP Molecular Germline Variant Investigation Process 2024. Collection method: clinical testing. Allele origin: germline. Not counted in ClinVar's aggregate classification.

KCCC/NGS Laboratory, Kuwait Cancer Control Center
Classification: Benign for Acute myeloid leukemia. Last evaluated: 2023-07-07. Review status: criteria provided, single submitter. Criteria: ACMG Guidelines, 2015. Collection method: clinical testing. Allele origin: germline. Affected: yes. Not counted in ClinVar's aggregate classification.

Fulgent Genetics
Classification: Benign for Hereditary thrombocytopenia and hematological cancer predisposition syndrome associated with RUNX1; Acute myeloid leukemia. Last evaluated: 2022-03-10. Review status: criteria provided, single submitter. Criteria: ACMG Guidelines, 2015. Collection method: clinical testing. Allele origin: unknown. Not counted in ClinVar's aggregate classification.

Illumina Laboratory Services, Illumina
Classification: Benign for Hereditary thrombocytopenia and hematological cancer predisposition syndrome associated with RUNX1. Last evaluated: 2018-01-12. Review status: criteria provided, single submitter. Criteria: ICSL Variant Classification Criteria 13 December 2019. Collection method: clinical testing. Allele origin: germline. Not counted in ClinVar's aggregate classification.
Comment: This variant was observed in the ICSL laboratory as part of a predisposition screen in an ostensibly healthy population. It had not been previously curated by ICSL or reported in the Human Gene Mutation Database (HGMD: prior to June 1st, 2018), and was therefore a candidate for classification through an automated scoring system. Utilizing variant allele frequency, disease prevalence and penetrance estimates, and inheritance mode, an automated score was calculated to assess if this variant is too frequent to cause the disease. Based on the score and internal cut-off values, a variant classified as benign is not then subjected to further curation. The score for this variant resulted in a classification of benign for this disease.

PreventionGenetics, part of Exact Sciences
Classification: Benign. Last evaluated: 2017-12-20. Review status: criteria provided, single submitter. Criteria: ACMG Guidelines, 2015. Collection method: clinical testing. Allele origin: germline. Not counted in ClinVar's aggregate classification.

Breakthrough Genomics
Classification: Benign. Review status: criteria provided, single submitter. Criteria: ACMG Guidelines, 2015. Collection method: not provided. Allele origin: germline. Inheritance: Autosomal dominant inheritance. Affected: yes. Not counted in ClinVar's aggregate classification.

NM_001754.5(RUNX1):c.351+15A>G

Gene: RUNX1 (RUNX family transcription factor 1; minus strand). Cytogenetic location: 21q22.12.
Variant type: single nucleotide variant.
Coding change: c.351+15A>G on transcript NM_001754.5 (MANE Select); 15 bases into the intron after coding-DNA position 351, A replaced by G.
Molecular consequence: intron variant.
Genome position (GRCh38, 1-based): chr21:34,886,828, T>C on the plus strand (A>G on the coding strand, the complement: RUNX1 is on the minus strand). VCF-style: chr21-34886828-T-C. GRCh37 (hg19) VCF-style: chr21-36259125-T-C.
Other names: c.270+15A>G (NM_001001890.3, NM_001122607.2).
Identifiers: ClinVar variation 258185 (VCV000258185.21), dbSNP rs199881885, ClinGen allele CA10014545.